The following is an entry in ClinVar:

NM_014244.5(ADAMTS2):c.3586C>T (p.Gln1196Ter)

Gene: ADAMTS2 (ADAM metallopeptidase with thrombospondin type 1 motif 2; minus strand). Cytogenetic location: 5q35.3.
Variant type: single nucleotide variant.
Coding change: c.3586C>T on transcript NM_014244.5 (MANE Select); coding-DNA position 3586, C replaced by T.
Protein change: p.Gln1196Ter; replaces glutamine 1196 with a stop codon.
Molecular consequence: nonsense.
Genome position (GRCh38, 1-based): chr5:179,113,917, G>A on the plus strand (C>T on the coding strand, the complement: ADAMTS2 is on the minus strand). VCF-style: chr5-179113917-G-A. GRCh37 (hg19) VCF-style: chr5-178540918-G-A.
Other names: short protein forms Q1196*.
Identifiers: ClinVar variation 1705106 (VCV001705106.1), dbSNP rs1762615550, ClinGen allele CA362410083.

ClinVar aggregate classification (germline): Uncertain significance (1 of 4 stars; one submission).

Allele frequency attached by ClinVar (database versions not stated): TOPMed below 0.00001.

Submission:

Women's Health and Genetics/Laboratory Corporation of America, LabCorp
Classification: Uncertain significance. Last evaluated: 2022-08-15. Review status: criteria provided, single submitter. Criteria: LabCorp Variant Classification Summary - May 2015. Collection method: clinical testing. Allele origin: germline.
Comment: Variant summary: ADAMTS2 c.3586C>T (p.Gln1196X) located in the last exon results in a premature termination codon, predicted to cause a truncation of the encoded protein or absence of the protein due to nonsense mediated decay, which are commonly known mechanisms for disease. The variant was absent in 251494 control chromosomes. The available data on variant occurrences in the general population are insufficient to allow any conclusion about variant significance. To our knowledge, no occurrence of c.3586C>T in individuals affected with Ehlers-Danlos Syndrome, Type VIIC (Dermatosparaxis) and no experimental evidence demonstrating its impact on protein function have been reported. No clinical diagnostic laboratories have submitted clinical-significance assessments for this variant to ClinVar after 2014. Based on the evidence outlined above, the variant was classified as uncertain significance.